The following is an entry in ClinVar:

NM_012208.4(HARS2):c.229del (p.Ile77fs)

Gene: HARS2 (histidyl-tRNA synthetase 2, mitochondrial; plus strand). Cytogenetic location: 5q31.3.
Variant type: Deletion.
Coding change: c.229del on transcript NM_012208.4 (MANE Select); coding-DNA position 229, one base deleted (A; older notation c.229delA).
Protein change: p.Ile77fs; shifts the reading frame from isoleucine 77.
Molecular consequence: frameshift variant.
Genome position (GRCh38, 1-based): chr5:140,693,980, A deleted; the last of 4 consecutive A bases (chr5:140,693,977-140,693,980); deleting any one gives the same sequence. VCF-style (leftmost placement, unchanged base first): chr5-140693976-GA-G. GRCh37 (hg19) VCF-style: chr5-140073561-GA-G.
Other names: c.154del, p.Ile52fs (NM_001278731.2); c.19del, p.Ile7fs (NM_001278732.2, NM_001363536.2); c.247del, p.Ile83fs (NM_001363535.2); short protein forms I83fs, I52fs, I7fs, I77fs.
Identifiers: ClinVar variation 2085053 (VCV002085053.1), dbSNP rs758655119, ClinGen allele CA3444346.

ClinVar aggregate classification (germline): Pathogenic (1 of 4 stars; one submission).

Submission:

Labcorp Genetics (formerly Invitae), Labcorp
Classification: Pathogenic. Last evaluated: 2022-07-05. Review status: criteria provided, single submitter. Criteria: Invitae Variant Classification Sherloc (09022015). Collection method: clinical testing. Allele origin: germline.
Comment: This sequence change creates a premature translational stop signal (p.Ile77Phefs*24) in the HARS2 gene. It is expected to result in an absent or disrupted protein product. Loss-of-function variants in HARS2 are known to be pathogenic (PMID: 31827252). This variant is present in population databases (rs758655119, gnomAD 0.03%). This variant has not been reported in the literature in individuals affected with HARS2-related conditions. For these reasons, this variant has been classified as Pathogenic.

Literature cited by the submitters: PubMed 31827252.